The following is an entry in ClinVar:

NM_001384732.1(CPLANE1):c.8533A>G (p.Ile2845Val)

Gene: CPLANE1 (ciliogenesis and planar polarity effector complex subunit 1; minus strand). Cytogenetic location: 5p13.2.
Variant type: single nucleotide variant.
Coding change: c.8533A>G on transcript NM_001384732.1 (MANE Select); coding-DNA position 8533, A replaced by G.
Protein change: p.Ile2845Val; replaces isoleucine 2845 with valine.
Molecular consequence: missense variant.
Genome position (GRCh38, 1-based): chr5:37,142,409, T>C on the plus strand (A>G on the coding strand, the complement: CPLANE1 is on the minus strand). VCF-style: chr5-37142409-T-C. GRCh37 (hg19) VCF-style: chr5-37142511-T-C.
Other names: c.8371A>G, p.Ile2791Val (NM_023073.4); short protein forms I2845V, I2791V.
Identifiers: ClinVar variation 2147855 (VCV002147855.2), dbSNP rs561289580, ClinGen allele CA3237757.

ClinVar aggregate classification (germline): Uncertain significance (1 of 4 stars; one submission).

Allele frequency attached by ClinVar (database versions not stated): TOPMed below 0.00001; gnomAD 0.00001; gnomAD exomes 0.00001; ExAC 0.00004; 1000 Genomes Project 30x 0.00016; 1000 Genomes Project 0.00020.
gnomAD v4.1: 12 of 1,611,338 alleles (0.00074%); highest among the groups gnomAD compares: East Asian, 0.022%; no homozygotes.

Submission:

Labcorp Genetics (formerly Invitae), Labcorp
Classification: Uncertain significance. Last evaluated: 2022-06-08. Review status: criteria provided, single submitter. Criteria: Invitae Variant Classification Sherloc (09022015). Collection method: clinical testing. Allele origin: germline.
Comment: In summary, the available evidence is currently insufficient to determine the role of this variant in disease. Therefore, it has been classified as a Variant of Uncertain Significance. Advanced modeling of protein sequence and biophysical properties (such as structural, functional, and spatial information, amino acid conservation, physicochemical variation, residue mobility, and thermodynamic stability) performed at Invitae indicates that this missense variant is not expected to disrupt CPLANE1 protein function. This variant has not been reported in the literature in individuals affected with CPLANE1-related conditions. This variant is present in population databases (rs561289580, gnomAD 0.05%). This sequence change replaces isoleucine, which is neutral and non-polar, with valine, which is neutral and non-polar, at codon 2791 of the CPLANE1 protein (p.Ile2791Val).